The following is an entry in ClinVar:

NM_000203.5(IDUA):c.722_723delinsAA (p.Cys241Ter)

Gene: IDUA (alpha-L-iduronidase; plus strand). Cytogenetic location: 4p16.3.
Variant type: Indel.
Coding change: c.722_723delinsAA on transcript NM_000203.5 (MANE Select); coding-DNA positions 722 to 723, GC replaced by AA.
Protein change: p.Cys241Ter; replaces cysteine 241 with a stop codon.
Molecular consequence: nonsense. On other transcripts: non-coding transcript variant (1).
Genome position (GRCh38, 1-based): chr4:1,001,811-1,001,812, GC replaced by AA. VCF-style: chr4-1001811-GC-AA. GRCh37 (hg19) VCF-style: chr4-995599-GC-AA.
Other names: c.326_327delinsAA, p.Cys109Ter (NM_001363576.1); short protein forms C109*, C241*.
Identifiers: ClinVar variation 2708979 (VCV002708979.3), dbSNP rs2534085334, ClinGen allele CA2697557038.

ClinVar aggregate classification (germline): Pathogenic (1 of 4 stars; one submission).

Conditions:
Mucopolysaccharidosis type 1. Also called: Mucopolysaccharidosis Type I; IDUA deficiency; MPS I. Identifiers: Orphanet 579, MedGen C0023786, MONDO:0001586.

Submission:

Labcorp Genetics (formerly Invitae), Labcorp
Classification: Pathogenic for Mucopolysaccharidosis type 1. Last evaluated: 2024-01-11. Review status: criteria provided, single submitter. Criteria: Invitae Variant Classification Sherloc (09022015). Collection method: clinical testing. Allele origin: germline.
Comment: This sequence change creates a premature translational stop signal (p.Cys241*) in the IDUA gene. It is expected to result in an absent or disrupted protein product. Loss-of-function variants in IDUA are known to be pathogenic (PMID: 11735025, 21480867). Information on the frequency of this variant in the gnomAD database is not available, as this variant may be reported differently in the database. This variant has not been reported in the literature in individuals affected with IDUA-related conditions. For these reasons, this variant has been classified as Pathogenic.

Literature cited by the submitters: PubMed 11735025; PubMed 21480867.